The following is an entry in ClinVar:

NM_001004334.4(GPR179):c.1227+11C>T

Gene: GPR179 (G protein-coupled receptor 179; minus strand). Cytogenetic location: 17q12.
Variant type: single nucleotide variant.
Coding change: c.1227+11C>T on transcript NM_001004334.4 (MANE Select); 11 bases into the intron after coding-DNA position 1227, C replaced by T.
Molecular consequence: intron variant.
Genome position (GRCh38, 1-based): chr17:38,336,967, G>A on the plus strand (C>T on the coding strand, the complement: GPR179 is on the minus strand). VCF-style: chr17-38336967-G-A. GRCh37 (hg19) VCF-style: chr17-36492850-G-A.
Identifiers: ClinVar variation 2099922 (VCV002099922.4), dbSNP rs1375534804, ClinGen allele CA771715833.

ClinVar aggregate classification (germline): Uncertain significance (1 of 4 stars; one submission).

Allele frequency attached by ClinVar (database versions not stated): gnomAD exomes 0.00001; TOPMed 0.00001.
gnomAD v4.1: 18 of 1,575,176 alleles (0.0011%); highest among the groups gnomAD compares: Non-Finnish European, 0.0015%; no homozygotes.

Submission:

Labcorp Genetics (formerly Invitae), Labcorp
Classification: Uncertain significance. Last evaluated: 2022-02-20. Review status: criteria provided, single submitter. Criteria: Invitae Variant Classification Sherloc (09022015). Collection method: clinical testing. Allele origin: germline.
Comment: This variant has not been reported in the literature in individuals affected with GPR179-related conditions. Algorithms developed to predict the effect of sequence changes on RNA splicing suggest that this variant may create or strengthen a splice site. In summary, the available evidence is currently insufficient to determine the role of this variant in disease. Therefore, it has been classified as a Variant of Uncertain Significance. This variant is not present in population databases (gnomAD no frequency). This sequence change falls in intron 4 of the GPR179 gene. It does not directly change the encoded amino acid sequence of the GPR179 protein.